The following is an entry in ClinVar:

NM_032638.5(GATA2):c.1413C>A (p.His471Gln)

Gene: GATA2 (GATA binding protein 2; minus strand). Cytogenetic location: 3q21.3.
Variant type: single nucleotide variant.
Coding change: c.1413C>A on transcript NM_032638.5 (MANE Select); coding-DNA position 1413, C replaced by A.
Protein change: p.His471Gln; replaces histidine 471 with glutamine.
Molecular consequence: missense variant.
Genome position (GRCh38, 1-based): chr3:128,481,049, G>T on the plus strand (C>A on the coding strand, the complement: GATA2 is on the minus strand). VCF-style: chr3-128481049-G-T. GRCh37 (hg19) VCF-style: chr3-128199892-G-T.
Other names: c.1413C>A, p.His471Gln (NM_001145661.2); c.1371C>A, p.His457Gln (NM_001145662.1); short protein forms H457Q, H471Q.
Identifiers: ClinVar variation 5022207 (VCV005022207.1).

ClinVar aggregate classification (germline): Uncertain significance (1 of 4 stars; one submission).

Conditions:
Inborn genetic diseases. Identifiers: MedGen C0950123, MeSH D030342.

Submission:

Ambry Genetics
Classification: Uncertain significance for Inborn genetic diseases. Last evaluated: 2026-07-07. Review status: criteria provided, single submitter. Criteria: Ambry Variant Classification Scheme 2023. Collection method: clinical testing. Allele origin: germline.
Comment: The p.H471Q variant (also known as c.1413C>A), located in coding exon 5 of the GATA2 gene, results from a C to A substitution at nucleotide position 1413. The histidine at codon 471 is replaced by glutamine, an amino acid with highly similar properties. This amino acid position is conserved. In addition, the in silico prediction for this alteration is inconclusive. Based on the available evidence, the clinical significance of this variant remains unclear.